The following is an entry in ClinVar:

ClinVar aggregate classification (germline): Pathogenic (1 of 4 stars; one submission).

Conditions:
Myofibrillar myopathy 5. Also called: Filaminopathy (type); FILAMINOPATHY, AUTOSOMAL DOMINANT. Identifiers: Orphanet 171445, MedGen C1836050, MONDO:0012289, OMIM 609524.
Hypertrophic cardiomyopathy 26. Also called: Cardiomyopathy, familial hypertrophic, 26. Identifiers: Orphanet 75249, MedGen C4310749, MONDO:0014883, OMIM 617047.
Distal myopathy with posterior leg and anterior hand involvement. Also called: WILLIAMS DISTAL MYOPATHY. Identifiers: Orphanet 63273, MedGen C3279722, MONDO:0013550, OMIM 614065.

Submission:

Labcorp Genetics (formerly Invitae), Labcorp
Classification: Pathogenic for Distal myopathy with posterior leg and anterior hand involvement; Myofibrillar myopathy 5; Hypertrophic cardiomyopathy 26. Last evaluated: 2022-09-09. Review status: criteria provided, single submitter. Criteria: Invitae Variant Classification Sherloc (09022015). Collection method: clinical testing. Allele origin: germline.
Comment: This sequence change creates a premature translational stop signal (p.Leu194Argfs*38) in the FLNC gene. It is expected to result in an absent or disrupted protein product. Loss-of-function variants in FLNC are known to be pathogenic (PMID: 27908349). This variant is not present in population databases (gnomAD no frequency). This variant has not been reported in the literature in individuals affected with FLNC-related conditions. For these reasons, this variant has been classified as Pathogenic.

Literature cited by the submitters: PubMed 27908349.

NM_001458.5(FLNC):c.581_600del (p.Leu194fs)

Gene: FLNC (filamin C; plus strand). Cytogenetic location: 7q32.1.
Variant type: Deletion.
Coding change: c.581_600del on transcript NM_001458.5 (MANE Select); coding-DNA positions 581 to 600, 20 bases deleted (TGGTGGACAACTGCGCCCCC).
Protein change: p.Leu194fs; shifts the reading frame from leucine 194.
Molecular consequence: frameshift variant.
Genome position (GRCh38, 1-based): chr7:128,835,554-128,835,573, TGGTGGACAACTGCGCCCCC deleted; deleting any 20 consecutive bases within chr7:128,835,551-128,835,573 gives the same sequence; the c. name uses the placement nearest the transcript's 3' end. VCF-style (leftmost placement, unchanged base first): chr7-128835550-GCCCTGGTGGACAACTGCGCC-G. GRCh37 (hg19) VCF-style: chr7-128475604-GCCCTGGTGGACAACTGCGCC-G.
Other names: c.581_600del, p.Leu194fs (NM_001127487.2); short protein forms L194fs.
Identifiers: ClinVar variation 2029646 (VCV002029646.4), dbSNP rs2536614846, ClinGen allele CA2580076539.